The following is an entry in ClinVar:

NM_152296.5(ATP1A3):c.2998C>T (p.Arg1000Cys)

Gene: ATP1A3 (ATPase Na+/K+ transporting subunit alpha 3; minus strand). Cytogenetic location: 19q13.2.
Variant type: single nucleotide variant.
Coding change: c.2998C>T on transcript NM_152296.5 (MANE Select); coding-DNA position 2998, C replaced by T.
Protein change: p.Arg1000Cys; replaces arginine 1000 with cysteine.
Molecular consequence: missense variant.
Genome position (GRCh38, 1-based): chr19:41,967,264, G>A on the plus strand (C>T on the coding strand, the complement: ATP1A3 is on the minus strand). VCF-style: chr19-41967264-G-A. GRCh37 (hg19) VCF-style: chr19-42471416-G-A.
Other names: c.3031C>T, p.Arg1011Cys (NM_001256213.2); c.3037C>T, p.Arg1013Cys (NM_001256214.2); short protein forms R1000C, R1013C, R1011C.
Identifiers: ClinVar variation 951437 (VCV000951437.9), dbSNP rs782778986, ClinGen allele CA406034982.
Genomic context (GRCh38, chr19:41,967,264, plus strand): 5'-CTGCTGCCCCCCGCCCCCCTCGGCTGCCTTGCCGAGCTCCCTCACCCCCTGGGTTCCTGC[G>A]CAGGATGAGTTTGCGGATTTCGTCGTAGACGAAGATGAGGAAACTGTAGGGGAAGGCACA-3'
Protein context (NP_689509.1, residues 990-1010): VYDEIRKLIL[Arg1000Cys]RNPGGWVEKE

ClinVar aggregate classification (germline): Uncertain significance (1 of 4 stars; one submission).

Conditions:
Dystonia 12 (DYT12). Also called: DYT-ATP1A3; Rapid-Onset Dystonia-Parkinsonism (RDP). Identifiers: Orphanet 71517, MedGen C1868681, MONDO:0007496, OMIM 128235.

Allele frequency attached by ClinVar (database versions not stated): gnomAD exomes below 0.00001.

Submission:

Labcorp Genetics (formerly Invitae), Labcorp
Classification: Uncertain significance for Dystonia 12. Last evaluated: 2021-04-29. Review status: criteria provided, single submitter. Criteria: Invitae Variant Classification Sherloc (09022015). Collection method: clinical testing. Allele origin: germline.
Comment: Algorithms developed to predict the effect of missense changes on protein structure and function are either unavailable or do not agree on the potential impact of this missense change (SIFT: "Deleterious"; PolyPhen-2: "Benign"; Align-GVGD: "Class C0"). In summary, the available evidence is currently insufficient to determine the role of this variant in disease. Therefore, it has been classified as a Variant of Uncertain Significance. This variant has been observed in one or more individuals who were not affected with ATP1A3-related disease (Invitae). This variant is not present in population databases (ExAC no frequency). This sequence change replaces arginine with cysteine at codon 1000 of the ATP1A3 protein (p.Arg1000Cys). The arginine residue is moderately conserved and there is a large physicochemical difference between arginine and cysteine.